The following is an entry in ClinVar:

NM_001401501.2(MUC16):c.10509T>C (p.Ser3503=)

Gene: MUC16 (mucin 16, cell surface associated; minus strand). Cytogenetic location: 19p13.2.
Variant type: single nucleotide variant.
Coding change: c.10509T>C on transcript NM_001401501.2 (MANE Select); coding-DNA position 10509, T replaced by C.
Protein change: p.Ser3503=; no amino-acid change (serine 3503 retained).
Molecular consequence: synonymous variant.
Genome position (GRCh38, 1-based): chr19:8,966,381, A>G on the plus strand (T>C on the coding strand, the complement: MUC16 is on the minus strand). VCF-style: chr19-8966381-A-G. GRCh37 (hg19) VCF-style: chr19-9077057-A-G.
Other names: c.10935T>C, p.Ser3645= (NM_001414686.1); c.10389T>C, p.Ser3463= (NM_001414687.1, NM_024690.2).
Identifiers: ClinVar variation 3040893 (VCV003040893.2), dbSNP rs375129515, ClinGen allele CA9171474.

ClinVar aggregate classification (germline): Benign (0 of 4 stars; one submission).

Conditions:
MUC16-related disorder. Also called: MUC16-related condition.

Allele frequency attached by ClinVar (database versions not stated): gnomAD exomes 0.00026; ExAC 0.00066; gnomAD 0.00228; 1000 Genomes Project 0.00260; ESP Exome Variant Server 0.00260; TOPMed 0.00276; 1000 Genomes Project 30x 0.00281.

Submission:

PreventionGenetics, part of Exact Sciences
Classification: Benign for MUC16-related condition. Last evaluated: 2019-09-30. Review status: no assertion criteria provided. Collection method: clinical testing. Allele origin: germline.
Comment: This variant is classified as benign based on ACMG/AMP sequence variant interpretation guidelines (Richards et al. 2015 PMID: 25741868, with internal and published modifications).